The following is an entry in ClinVar:

NM_172362.3(KCNH1):c.134G>A (p.Ser45Asn)

Gene: KCNH1 (potassium voltage-gated channel subfamily H member 1; minus strand). Cytogenetic location: 1q32.2.
Variant type: single nucleotide variant.
Coding change: c.134G>A on transcript NM_172362.3 (MANE Select); coding-DNA position 134, G replaced by A.
Protein change: p.Ser45Asn; replaces serine 45 with asparagine.
Molecular consequence: missense variant.
Genome position (GRCh38, 1-based): chr1:211,107,323, C>T on the plus strand (G>A on the coding strand, the complement: KCNH1 is on the minus strand). VCF-style: chr1-211107323-C-T. GRCh37 (hg19) VCF-style: chr1-211280665-C-T.
Other names: c.134G>A, p.Ser45Asn (NM_002238.4); c.134G>A (NM_172362.2); short protein forms S45N.
Identifiers: ClinVar variation 1416005 (VCV001416005.9), dbSNP rs748083666, ClinGen allele CA1380098.

ClinVar aggregate classification (germline): Uncertain significance. Review status: criteria provided, multiple submitters, no conflicts (2 of 4 stars). 2 submissions from 2 submitters: Uncertain significance (2). Last evaluated 2024-11-26.

Conditions:
KCNH1-related disorder. Also called: KCNH1-related disorders; KCNH1-related condition.

Allele frequency attached by ClinVar (database versions not stated): gnomAD exomes below 0.00001; TOPMed below 0.00001; ExAC 0.00001; gnomAD 0.00001.
gnomAD v4.1: 6 of 1,612,820 alleles (0.00037%); highest among the groups gnomAD compares: Non-Finnish European, 0.00051%; no homozygotes.

Submissions (2):

PreventionGenetics, part of Exact Sciences
Classification: Uncertain significance for KCNH1-related condition. Last evaluated: 2024-11-26. Review status: criteria provided, single submitter. Criteria: ACMG Guidelines, 2015. Collection method: clinical testing. Allele origin: germline.
Comment: The KCNH1 c.134G>A variant is predicted to result in the amino acid substitution p.Ser45Asn. To our knowledge, this variant has not been reported in the literature. This variant is reported in 0.00088% of alleles in individuals of European (Non-Finnish) descent in gnomAD. At this time, the clinical significance of this variant is uncertain due to the absence of conclusive functional and genetic evidence.

Labcorp Genetics (formerly Invitae), Labcorp
Classification: Uncertain significance. Last evaluated: 2021-08-15. Review status: criteria provided, single submitter. Criteria: Invitae Variant Classification Sherloc (09022015). Collection method: clinical testing. Allele origin: germline.
Comment: This variant is present in population databases (rs748083666, ExAC 0.001%). In summary, the available evidence is currently insufficient to determine the role of this variant in disease. Therefore, it has been classified as a Variant of Uncertain Significance. Advanced modeling of protein sequence and biophysical properties (such as structural, functional, and spatial information, amino acid conservation, physicochemical variation, residue mobility, and thermodynamic stability) performed at Invitae indicates that this missense variant is expected to disrupt KCNH1 protein function. This variant has not been reported in the literature in individuals with KCNH1-related conditions. This sequence change replaces serine with asparagine at codon 45 of the KCNH1 protein (p.Ser45Asn). The serine residue is moderately conserved and there is a small physicochemical difference between serine and asparagine.